The following is an entry in ClinVar:

ClinVar aggregate classification (germline): Uncertain significance (0 of 4 stars; one submission).

Conditions:
Thrombophilia due to protein S deficiency, autosomal dominant (THPH5). Identifiers: Orphanet 26349, Orphanet 743, MedGen C3278211, MONDO:0012868, OMIM 612336. Disease mechanism: loss of function.

Submission:

Department of Transfusion Medicine and Hemostaseology, University Hospital Erlangen
Classification: Uncertain significance for Thrombophilia due to protein S deficiency, autosomal dominant. Last evaluated: 2025-09-01. Review status: no assertion criteria provided. Collection method: clinical testing. Allele origin: germline.
Comment: This variant was identified during a screening of patients with suspected hereditary Protein S deficiency. Currently, no literature is available describing this variant and it is not listed in any public population database. Several in silico variant effect prediction tools (PolyPhen-2, SIFT, AlphaMissense) classify this variant as likely pathogenic. Taken together we classified this variant as of uncertain significance.

NM_000313.4(PROS1):c.651C>G (p.Cys217Trp)

Gene: PROS1 (protein S; minus strand). Cytogenetic location: 3q11.1.
Variant type: single nucleotide variant.
Coding change: c.651C>G on transcript NM_000313.4 (MANE Select); coding-DNA position 651, C replaced by G.
Protein change: p.Cys217Trp; replaces cysteine 217 with tryptophan.
Molecular consequence: missense variant.
Genome position (GRCh38, 1-based): chr3:93,900,880, G>C on the plus strand (C>G on the coding strand, the complement: PROS1 is on the minus strand). VCF-style: chr3-93900880-G-C. GRCh37 (hg19) VCF-style: chr3-93619724-G-C.
Other names: c.747C>G, p.Cys249Trp (NM_001314077.2); short protein forms C217W, C249W.
Identifiers: ClinVar variation 4529458 (VCV004529458.1).